The following is an entry in ClinVar:

NM_012401.4(PLXNB2):c.4406T>A (p.Val1469Glu)

Gene: PLXNB2 (plexin B2; minus strand). Cytogenetic location: 22q13.33.
Variant type: single nucleotide variant.
Coding change: c.4406T>A on transcript NM_012401.4 (MANE Select); coding-DNA position 4406, T replaced by A.
Protein change: p.Val1469Glu; replaces valine 1469 with glutamic acid.
Molecular consequence: missense variant. On other transcripts: intron variant (2).
Genome position (GRCh38, 1-based): chr22:50,278,995, A>T on the plus strand (T>A on the coding strand, the complement: PLXNB2 is on the minus strand). VCF-style: chr22-50278995-A-T. GRCh37 (hg19) VCF-style: chr22-50717424-A-T.
Other names: c.4643T>A, p.Val1548Glu (NM_001376864.1); c.4475T>A, p.Val1492Glu (NM_001376865.1); c.4406T>A, p.Val1469Glu (NM_001376866.1, NM_001376867.1, NM_001376868.1 and 14 more transcripts); c.4382T>A, p.Val1461Glu (NM_001376883.1); c.4313T>A, p.Val1438Glu (NM_001376886.1); c.4390-62T>A (NM_001376885.1, NM_001376884.1); c.4406T>A (NM_012401.3); short protein forms V1438E, V1461E, V1469E, V1492E, V1548E.
Identifiers: ClinVar variation 3676806 (VCV003676806.3).

ClinVar aggregate classification (germline): Uncertain significance. Review status: criteria provided, multiple submitters, no conflicts (2 of 4 stars). 2 submissions from 2 submitters: Uncertain significance (2). Last evaluated 2025-04-17.

Submissions (2):

Ambry Genetics
Classification: Uncertain significance. Last evaluated: 2025-04-17. Review status: criteria provided, single submitter. Criteria: Ambry Variant Classification Scheme 2023. Collection method: clinical testing. Allele origin: germline.

Labcorp Genetics (formerly Invitae), Labcorp
Classification: Uncertain significance. Last evaluated: 2024-10-21. Review status: criteria provided, single submitter. Criteria: Invitae Variant Classification Sherloc (09022015). Collection method: clinical testing. Allele origin: germline.
Comment: This sequence change replaces valine, which is neutral and non-polar, with glutamic acid, which is acidic and polar, at codon 1469 of the PLXNB2 protein (p.Val1469Glu). This variant is not present in population databases (gnomAD no frequency). This variant has not been reported in the literature in individuals affected with PLXNB2-related conditions. Invitae Evidence Modeling of protein sequence and biophysical properties (such as structural, functional, and spatial information, amino acid conservation, physicochemical variation, residue mobility, and thermodynamic stability) indicates that this missense variant is not expected to disrupt PLXNB2 protein function with a negative predictive value of 80%. In summary, the available evidence is currently insufficient to determine the role of this variant in disease. Therefore, it has been classified as a Variant of Uncertain Significance.